The following is an entry in ClinVar:

ClinVar aggregate classification (germline): Likely benign (0 of 4 stars; one submission).

Conditions:
PLCD1-related disorder. Also called: PLCD1-related condition.

Allele frequency attached by ClinVar (database versions not stated): ExAC 0.00004; TOPMed 0.00004; gnomAD 0.00005; gnomAD exomes 0.00009.
gnomAD v4.1: 141 of 1,613,972 alleles (0.0087%); highest among the groups gnomAD compares: Non-Finnish European, 0.012%; no homozygotes.

Submission:

PreventionGenetics, part of Exact Sciences
Classification: Likely benign for PLCD1-related condition. Last evaluated: 2020-07-14. Review status: no assertion criteria provided. Collection method: clinical testing. Allele origin: germline.
Comment: This variant is classified as likely benign based on ACMG/AMP sequence variant interpretation guidelines (Richards et al. 2015 PMID: 25741868, with internal and published modifications).

NM_006225.4(PLCD1):c.147G>A (p.Lys49=)

Gene: PLCD1 (phospholipase C delta 1; minus strand). Cytogenetic location: 3p22.2.
Variant type: single nucleotide variant.
Coding change: c.147G>A on transcript NM_006225.4 (MANE Select); coding-DNA position 147, G replaced by A.
Protein change: p.Lys49=; no amino-acid change (lysine 49 retained).
Molecular consequence: synonymous variant. On other transcripts: non-coding transcript variant (1).
Genome position (GRCh38, 1-based): chr3:38,020,240, C>T on the plus strand (G>A on the coding strand, the complement: PLCD1 is on the minus strand). VCF-style: chr3-38020240-C-T. GRCh37 (hg19) VCF-style: chr3-38061731-C-T.
Other names: c.210G>A, p.Lys70= (NM_001130964.2).
Identifiers: ClinVar variation 3036543 (VCV003036543.2), dbSNP rs761527475, ClinGen allele CA2313468.
Genomic context (GRCh38, chr3:38,020,240, plus strand): 5'-GCACTCACACAGCTGGGACTCCGGGGTCCGCATGACCTTGCGGGACTCCTGCCAGATGGT[C>T]TTGCAGTCCTCCTGCAACTTGTAGAAGCGCTCTCTCCTCCATGAGCTGGACTTCACCTTC-3'
Protein context (NP_006216.2, residues 39-59): ERFYKLQEDC[Lys49=]TIWQESRKVM